The following is an entry in ClinVar:

ClinVar aggregate classification (germline): Likely benign. Review status: criteria provided, single submitter (1 of 4 stars). 2 submissions from 2 submitters: Likely benign (1). 1 of the submissions does not count toward it. Last evaluated 2026-01-26.

Conditions:
GPHN-related disorder. Also called: GPHN-related condition.
Sulfite oxidase deficiency due to molybdenum cofactor deficiency type C. Also called: Molybdenum cofactor deficiency C; Molybdenum cofactor deficiency, complementation group C. Identifiers: Orphanet 308400, Orphanet 833, MedGen C1854990, MONDO:0014212, OMIM 615501.

Allele frequency attached by ClinVar (database versions not stated): gnomAD exomes 0.00007 and 0.00014; ExAC 0.00018; 1000 Genomes Project 30x 0.00062; ESP Exome Variant Server 0.00069; gnomAD 0.00072 and 0.00078; TOPMed 0.00072; 1000 Genomes Project 0.00080.
gnomAD v4.1: 213 of 1,613,720 alleles (0.013%); highest among the groups gnomAD compares: African/African-American, 0.25%; no homozygotes.

Submissions (2):

Labcorp Genetics (formerly Invitae), Labcorp
Classification: Likely benign for Sulfite oxidase deficiency due to molybdenum cofactor deficiency type C. Last evaluated: 2026-01-26. Review status: criteria provided, single submitter. Criteria: Invitae Variant Classification Sherloc (09022015). Collection method: clinical testing. Allele origin: germline.

PreventionGenetics, part of Exact Sciences
Classification: Likely benign for GPHN-related condition. Last evaluated: 2022-04-26. Review status: no assertion criteria provided. Collection method: clinical testing. Allele origin: germline. Not counted in ClinVar's aggregate classification.
Comment: This variant is classified as likely benign based on ACMG/AMP sequence variant interpretation guidelines (Richards et al. 2015 PMID: 25741868, with internal and published modifications).

NM_020806.5(GPHN):c.2192G>C (p.Ser731Thr)

Gene: GPHN (gephyrin; plus strand). Cytogenetic location: 14q23.3.
Variant type: single nucleotide variant.
Coding change: c.2192G>C on transcript NM_020806.5 (MANE Select); coding-DNA position 2192, G replaced by C.
Protein change: p.Ser731Thr; replaces serine 731 with threonine.
Molecular consequence: missense variant.
Genome position (GRCh38, 1-based): chr14:67,180,819, G>C. VCF-style: chr14-67180819-G-C. GRCh37 (hg19) VCF-style: chr14-67647536-G-C.
Other names: c.2093G>C, p.Ser698Thr (NM_001024218.2); c.2252G>C, p.Ser751Thr (NM_001377514.1); c.2222G>C, p.Ser741Thr (NM_001377515.1); c.2213G>C, p.Ser738Thr (NM_001377516.1); c.2165G>C, p.Ser722Thr (NM_001377517.1); c.2150G>C, p.Ser717Thr (NM_001377518.1); c.2132G>C, p.Ser711Thr (NM_001377519.1); short protein forms S731T, S698T, S711T, S717T, S722T, S738T, S741T, S751T.
Identifiers: ClinVar variation 534548 (VCV000534548.14), dbSNP rs142608987, ClinGen allele CA7234311.